The following is an entry in ClinVar:

NM_001042492.3(NF1):c.6202A>T (p.Thr2068Ser)

Gene: NF1 (neurofibromin 1; plus strand). Cytogenetic location: 17q11.2.
Variant type: single nucleotide variant.
Coding change: c.6202A>T on transcript NM_001042492.3 (MANE Select); coding-DNA position 6202, A replaced by T.
Protein change: p.Thr2068Ser; replaces threonine 2068 with serine.
Molecular consequence: missense variant.
Genome position (GRCh38, 1-based): chr17:31,336,689, A>T. VCF-style: chr17-31336689-A-T. GRCh37 (hg19) VCF-style: chr17-29663707-A-T.
Other names: c.6139A>T, p.Thr2047Ser (NM_000267.4); short protein forms T2047S, T2068S.
Identifiers: ClinVar variation 3404668 (VCV003404668.1).

ClinVar aggregate classification (germline): Uncertain significance (1 of 4 stars; one submission).

Conditions:
Hereditary cancer-predisposing syndrome. Also called: Hereditary Cancer Syndrome; Tumor predisposition; Hereditary neoplastic syndrome; Neoplastic Syndromes, Hereditary. Identifiers: Orphanet 140162, MedGen C0027672, MeSH D009386, MONDO:0015356.
Cardiovascular phenotype. Identifiers: MedGen CN230736.

Submission:

Ambry Genetics
Classification: Uncertain significance for Cardiovascular phenotype; Hereditary cancer-predisposing syndrome. Last evaluated: 2024-07-15. Review status: criteria provided, single submitter. Criteria: Ambry Variant Classification Scheme 2023. Collection method: clinical testing. Allele origin: germline.
Comment: The p.T2047S variant (also known as c.6139A>T), located in coding exon 41 of the NF1 gene, results from an A to T substitution at nucleotide position 6139. The threonine at codon 2047 is replaced by serine, an amino acid with similar properties. This amino acid position is conserved. In addition, this alteration is predicted to be tolerated by in silico analysis. Based on the available evidence, the clinical significance of this variant remains unclear.